The following is an entry in ClinVar:

NM_005591.4(MRE11):c.1516G>C (p.Glu506Gln)

Gene: MRE11 (MRE11 double strand break repair nuclease; minus strand). Cytogenetic location: 11q21.
Variant type: single nucleotide variant.
Coding change: c.1516G>C on transcript NM_005591.4 (MANE Select); coding-DNA position 1516, G replaced by C.
Protein change: p.Glu506Gln; replaces glutamic acid 506 with glutamine.
Molecular consequence: missense variant. On other transcripts: intron variant (6).
Genome position (GRCh38, 1-based): chr11:94,456,323, C>G on the plus strand (G>C on the coding strand, the complement: MRE11 is on the minus strand). VCF-style: chr11-94456323-C-G. GRCh37 (hg19) VCF-style: chr11-94189489-C-G.
Other names: c.1516G>C, p.Glu506Gln (NM_001440463.1, NM_001440464.1, NM_001440465.1 and 10 more transcripts); c.1441G>C, p.Glu481Gln (NM_001440471.1, NM_001440472.1); c.1435G>C, p.Glu479Gln (NM_001440473.1, NM_001440477.1, NM_001440478.1); c.1171G>C, p.Glu391Gln (NM_001440482.1, NM_001440483.1, NM_001440484.1); c.1048G>C, p.Glu350Gln (NM_001440485.1, NM_001440486.1, NM_001440487.1); c.1500+3085G>C (NM_001440469.1, NM_001440467.1, NM_001440481.1 and 2 more transcripts); c.1425+3085G>C (NM_001440479.1); short protein forms E479Q, E481Q, E391Q, E506Q, E350Q.
Identifiers: ClinVar variation 4842896 (VCV004842896.1).

ClinVar aggregate classification (germline): Uncertain significance (1 of 4 stars; one submission).

Conditions:
Hereditary cancer-predisposing syndrome. Also called: Neoplastic Syndromes, Hereditary; Tumor predisposition; Hereditary Cancer Syndrome; Hereditary neoplastic syndrome. Identifiers: Orphanet 140162, MedGen C0027672, MeSH D009386, MONDO:0015356.

Submission:

Ambry Genetics
Classification: Uncertain significance for Hereditary cancer-predisposing syndrome. Last evaluated: 2025-12-22. Review status: criteria provided, single submitter. Criteria: Ambry Variant Classification Scheme 2023. Collection method: clinical testing. Allele origin: germline.
Comment: The p.E506Q variant (also known as c.1516G>C), located in coding exon 13 of the MRE11A gene, results from a G to C substitution at nucleotide position 1516. The glutamic acid at codon 506 is replaced by glutamine, an amino acid with highly similar properties. This amino acid position is conserved. In addition, the in silico prediction for this alteration is inconclusive. Based on the available evidence, the clinical significance of this variant remains unclear.